The following is an entry in ClinVar:

ClinVar aggregate classification (germline): Likely benign (0 of 4 stars; one submission).

Conditions:
ECM1-related disorder. Also called: ECM1-related condition.

Allele frequency attached by ClinVar (database versions not stated): ExAC 0.00003; gnomAD 0.00007; TOPMed 0.00008.
gnomAD v4.1: 13 of 1,614,074 alleles (0.00081%); highest among the groups gnomAD compares: African/African-American, 0.017%; no homozygotes.

Submission:

PreventionGenetics, part of Exact Sciences
Classification: Likely benign for ECM1-related condition. Last evaluated: 2019-08-22. Review status: no assertion criteria provided. Collection method: clinical testing. Allele origin: germline.
Comment: This variant is classified as likely benign based on ACMG/AMP sequence variant interpretation guidelines (Richards et al. 2015 PMID: 25741868, with internal and published modifications).

NM_004425.4(ECM1):c.807C>T (p.Cys269=)

Gene: ECM1 (extracellular matrix protein 1; plus strand). Cytogenetic location: 1q21.2.
Variant type: single nucleotide variant.
Coding change: c.807C>T on transcript NM_004425.4 (MANE Select); coding-DNA position 807, C replaced by T.
Protein change: p.Cys269=; no amino-acid change (cysteine 269 retained).
Molecular consequence: synonymous variant. On other transcripts: intron variant (1).
Genome position (GRCh38, 1-based): chr1:150,511,555, C>T. VCF-style: chr1-150511555-C-T. GRCh37 (hg19) VCF-style: chr1-150484031-C-T.
Other names: c.888C>T, p.Cys296= (NM_001202858.2); c.708+357C>T (NM_022664.3).
Identifiers: ClinVar variation 3053380 (VCV003053380.2), dbSNP rs374599359, ClinGen allele CA1077558.
Genomic context (GRCh38, chr1:150,511,555, plus strand): 5'-CTCGGTCAAGACCCGACCCCACTGGTGCTGCACGCGGCAGGGGGAGGCTCGGTTCTCCTG[C>T]TTCCAGGAGGAAGCTCCCCAGCCACACTACCAGCTCCGGGCCTGCCCCAGCCATCAGCCT-3'
Protein context (NP_004416.2, residues 259-279): CTRQGEARFS[Cys269=]FQEEAPQPHY